The following is an entry in ClinVar:

ClinVar aggregate classification (germline): Pathogenic. Review status: criteria provided, multiple submitters, no conflicts (2 of 4 stars). 13 submissions from 13 submitters: Pathogenic (11). 2 of the submissions do not count toward it. Last evaluated 2026-04-30.

Conditions:
Usher syndrome type 1 (USH1). Also called: RETINITIS PIGMENTOSA AND CONGENITAL DEAFNESS. Identifiers: Orphanet 231169, Orphanet 886, MedGen C1568247, MONDO:0010168, OMIM 276900.
Autosomal recessive nonsyndromic hearing loss 2. Also called: NEUROSENSORY NONSYNDROMIC RECESSIVE DEAFNESS 2; DEAFNESS, AUTOSOMAL RECESSIVE 2. Identifiers: Orphanet 90636, MedGen C1838701, MONDO:0010807, OMIM 600060.
Rare genetic deafness. Identifiers: Orphanet 96210, MedGen C5680250.
MYO7A-related disorder. Also called: MYO7A-related disorders.
Retinal dystrophy. Also called: Inherited retinal dystrophy. Identifiers: Orphanet 71862, MedGen C0854723, MeSH D058499, MONDO:0019118, HP:0000556.
Autosomal dominant nonsyndromic hearing loss 11. Identifiers: Orphanet 90635, MedGen C1832475, MONDO:0011032, OMIM 601317.
Usher syndrome type 1B (USH1B). Also called: Usher syndrome type IB. Identifiers: MedGen C1848638, MONDO:0700087.

Allele frequency attached by ClinVar (database versions not stated): gnomAD 0.00001; ExAC below 0.00001; gnomAD exomes 0.00001; TOPMed 0.00001.
gnomAD v4.1: 11 of 1,585,046 alleles (0.00069%); highest among the groups gnomAD compares: South Asian, 0.0012%; no homozygotes.

Submissions (13):

Laboratory of Molecular, Cellular and Translation Genetics in Otolaryngology/ Lim32-hcfmusp, University of Sao Paulo School of Medicine Clinics Hospital
Classification: Pathogenic for Usher syndrome type 1. Last evaluated: 2026-04-30. Review status: criteria provided, single submitter. Criteria: ClinGen HL ACMG Specifications v1. Collection method: research. Allele origin: germline. Affected: yes.
Comment: NM_000260.4:c.6070C>T:p.(Arg2024)*. This variant has been classified as pathogenic because it is a predicted loss-of-function (LoF) alteration in MYO7A, a gene in which LoF is an established disease mechanism (PVS1). It is rare in population databases (PM2) and has been repeatedly reported in individuals with Usher syndrome (PS4).

Dasa
Classification: Pathogenic. Last evaluated: 2025-08-19. Review status: criteria provided, single submitter. Criteria: DASA Assertion Criteria. Collection method: clinical testing. Allele origin: germline.
Comment: NM_000260.4(MYO7A):c.6070C>T (p.Arg2024Ter) introduces a premature termination codon predicted to result in loss of normal protein function. Loss-of-function is an established mechanism of disease for this gene. This variant has been observed in affected individuals with related phenotype in a genotype context consistent with recessive disease. The variant is present at low frequency in population datasets. Based on the available data, this variant is classified as pathogenic.

Natera, Inc.
Classification: Pathogenic for Usher syndrome type 1B. Last evaluated: 2025-01-06. Review status: criteria provided, single submitter. Criteria: Natera Variant Classification Schema (03/2026). Collection method: clinical testing. Allele origin: germline.
Comment: The c.6070C>T variant in MYO7A is a nonsense variant predicted to introduce a stop codon at amino acid 2024. This variant is expected to result in nonsense mediated decay, truncation, or a dysfunctional protein product. This variant is rare in the general population with a frequency below the threshold expected for the associated phenotype(s). This variant has been observed in one or more individuals affected with the associated recessive disease, as either homozygous or compound heterozygous with a second variant (PMID: 30459346, 32981126). Given the available evidence, this variant is classified as Pathogenic.

3billion
Classification: Pathogenic for Usher syndrome type 1. Last evaluated: 2024-08-29. Review status: criteria provided, single submitter. Criteria: ACMG Guidelines, 2015. Collection method: clinical testing. Allele origin: germline. Affected: yes.
Comment: The variant is observed at an extremely low frequency in the gnomAD v4.0.0 dataset (total allele frequency: <0.001%). Predicted Consequence/Location: Stop-gained (nonsense): predicted to result in a loss or disruption of normal protein function through nonsense-mediated decay (NMD) or protein truncation. Multiple pathogenic variants are reported downstream of the variant. The variant has been reported at least twice as pathogenic without evidence for the classification (ClinVar ID: VCV000043318 /PMID: 19074810). Therefore, this variant is classified as Pathogenic according to the recommendation of ACMG/AMP guideline.

GeneDx
Classification: Pathogenic. Last evaluated: 2023-12-28. Review status: criteria provided, single submitter. Criteria: GeneDx Variant Classification Process June 2021. Collection method: clinical testing. Allele origin: germline. Affected: yes.
Comment: Nonsense variant predicted to result in protein truncation or nonsense mediated decay in a gene for which loss-of-function is a known mechanism of disease; Not observed in large population cohorts (gnomAD); This variant is associated with the following publications: (PMID: 25525159, 22135276, 34039936, 30459346, 29416772, 36240775, 31479088, 32981126, 19074810, 21569298, 31266775, 26969326)

Labcorp Genetics (formerly Invitae), Labcorp
Classification: Pathogenic. Last evaluated: 2023-09-04. Review status: criteria provided, single submitter. Criteria: Invitae Variant Classification Sherloc (09022015). Collection method: clinical testing. Allele origin: germline.
Comment: This sequence change creates a premature translational stop signal (p.Arg2024*) in the MYO7A gene. It is expected to result in an absent or disrupted protein product. Loss-of-function variants in MYO7A are known to be pathogenic (PMID: 8900236, 25404053). This variant is not present in population databases (gnomAD no frequency). This premature translational stop signal has been observed in individuals with Usher syndrome (PMID: 19074810, 22135276, 30459346). ClinVar contains an entry for this variant (Variation ID: 43318). For these reasons, this variant has been classified as Pathogenic.

MGZ Medical Genetics Center
Classification: Pathogenic for Usher syndrome type 1. Last evaluated: 2022-07-22. Review status: criteria provided, single submitter. Criteria: ACMG Guidelines, 2015. Collection method: clinical testing. Allele origin: germline. Affected: yes. Observed: 1 variant allele.
Comment: ACMG criteria applied: PVS1, PM3, PM2_SUP

Fulgent Genetics
Classification: Pathogenic for Usher syndrome type 1; Autosomal recessive nonsyndromic hearing loss 2; Autosomal dominant nonsyndromic hearing loss 11. Last evaluated: 2021-10-26. Review status: criteria provided, single submitter. Criteria: ACMG Guidelines, 2015. Collection method: clinical testing. Allele origin: unknown.

Blueprint Genetics
Classification: Pathogenic for MYO7A-related disorders. Last evaluated: 2021-09-26. Review status: criteria provided, single submitter. Criteria: ACMG Guidelines, 2015. Collection method: clinical testing. Allele origin: germline. Affected: yes. Observed: 4 variant alleles.

Institute of Human Genetics, Univ. Regensburg, Univ. Regensburg
Classification: Pathogenic for Retinal dystrophy. Last evaluated: 2021-01-01. Review status: criteria provided, single submitter. Criteria: ACMG Guidelines, 2015. Collection method: clinical testing. Allele origin: germline. Affected: yes.

Laboratory for Molecular Medicine, Mass General Brigham Personalized Medicine
Classification: Pathogenic for Rare genetic deafness. Last evaluated: 2011-07-26. Review status: criteria provided, single submitter. Criteria: LMM Criteria. Collection method: clinical testing. Allele origin: germline. Inheritance: Autosomal recessive inheritance. Observed: 2 variant alleles.
Comment: The Arg2024X variant in MYO7A has been reported in one proband with Usher syndro me who was compound heterozygous with a second pathogenic MYO7A variant (Jacobso n 2008). In addition, the Arg2024X variant leads to a premature stop codon at po sition 2024, which is predicted to lead to a truncated or absent protein. In sum mary, this variant meets our criteria to be classified as pathogenic.

Counsyl
Classification: Pathogenic for Usher syndrome type 1; Autosomal recessive nonsyndromic hearing loss 2. Last evaluated: 2017-03-15. Review status: no assertion criteria provided. Collection method: clinical testing. Allele origin: unknown. Not counted in ClinVar's aggregate classification.

GeneReviews
No classification provided. Condition: Usher syndrome type 1. Review status: no classification provided. Collection method: literature only. Allele origin: germline. Affected: yes. Not counted in ClinVar's aggregate classification.

Literature cited by the submitters: PubMed 29416772 (cited by Laboratory of Molecular, Cellular and Translation Genetics in Otolaryngology/ Lim32-hcfmusp, University of Sao Paulo School of Medicine Clinics Hospital); PubMed 22135276 (cited by 3 submitters); PubMed 31250571 (cited by Laboratory of Molecular, Cellular and Translation Genetics in Otolaryngology/ Lim32-hcfmusp, University of Sao Paulo School of Medicine Clinics Hospital); PubMed 30459346 (cited by 3 submitters); PubMed 42233699 (cited by Laboratory of Molecular, Cellular and Translation Genetics in Otolaryngology/ Lim32-hcfmusp, University of Sao Paulo School of Medicine Clinics Hospital); PubMed 32981126 (cited by Natera, Inc. and Institute of Human Genetics, Univ. Regensburg, Univ. Regensburg); PubMed 19074810 (cited by 5 submitters); PubMed 8900236 (cited by Labcorp Genetics (formerly Invitae), Labcorp); PubMed 25404053 (cited by Labcorp Genetics (formerly Invitae), Labcorp); PubMed 25525159 (cited by Institute of Human Genetics, Univ. Regensburg, Univ. Regensburg); PubMed 26969326 (cited by Institute of Human Genetics, Univ. Regensburg, Univ. Regensburg); PubMed 31479088 (cited by Institute of Human Genetics, Univ. Regensburg, Univ. Regensburg); PubMed 31266775 (cited by Institute of Human Genetics, Univ. Regensburg, Univ. Regensburg); PubMed 36460718 (cited by Institute of Human Genetics, Univ. Regensburg, Univ. Regensburg); PubMed 21569298 (cited by GeneReviews); NCBI Bookshelf NBK1265 (cited by GeneReviews).

NM_000260.4(MYO7A):c.6070C>T (p.Arg2024Ter)

Gene: MYO7A (myosin VIIA; plus strand). Cytogenetic location: 11q13.5.
Variant type: single nucleotide variant.
Coding change: c.6070C>T on transcript NM_000260.4 (MANE Select); coding-DNA position 6070, C replaced by T.
Protein change: p.Arg2024Ter; replaces arginine 2024 with a stop codon.
Molecular consequence: nonsense.
Genome position (GRCh38, 1-based): chr11:77,211,170, C>T. VCF-style: chr11-77211170-C-T. GRCh37 (hg19) VCF-style: chr11-76922215-C-T.
Other names: c.5956C>T, p.Arg1986Ter (NM_001127180.2); c.5923C>T, p.Arg1975Ter (NM_001369365.1); short protein forms R2024*, R1975*, R1986*.
Identifiers: ClinVar variation 43318 (VCV000043318.24), dbSNP rs111033198, ClinGen allele CA278705.
Genomic context (GRCh38, chr11:77,211,170, plus strand): 5'-GCCAGGTCCCTGCACGCCTGTGACCTGCTCTGTCTCTGACAGGAGTTGCCCAAGTATCTC[C>T]GAGGCTACCACAAGTGCACGCGGGAGGAGGTGCTGCAGCTGGGGGCGCTGATCTACAGGG-3'